The following is an entry in ClinVar:

ClinVar aggregate classification (germline): Likely pathogenic (1 of 4 stars; one submission).

Submission:

GeneDx
Classification: Likely pathogenic. Last evaluated: 2023-11-17. Review status: criteria provided, single submitter. Criteria: GeneDx Variant Classification Process June 2021. Collection method: clinical testing. Allele origin: germline. Affected: yes.
Comment: Nonsense variant predicted to result in protein truncation or nonsense mediated decay in a gene for which loss of function is a known mechanism of disease; Not observed at significant frequency in large population cohorts (gnomAD); Has not been previously published as pathogenic or benign to our knowledge; This variant is associated with the following publications: (PMID: 17444505)

NM_001267550.2(TTN):c.103735G>T (p.Glu34579Ter)

Genes: TTN (titin; minus strand), TTN-AS1 (TTN antisense RNA 1; plus strand). Cytogenetic location: 2q31.2.
Variant type: single nucleotide variant.
Coding change: c.103735G>T on transcript NM_001267550.2 (MANE Select); coding-DNA position 103735, G replaced by T.
Protein change: p.Glu34579Ter; replaces glutamic acid 34579 with a stop codon.
Molecular consequence: nonsense.
Genome position (GRCh38, 1-based): chr2:178,532,880, C>A on the plus strand (G>T on the coding strand, the complement: TTN is on the minus strand). VCF-style: chr2-178532880-C-A. GRCh37 (hg19) VCF-style: chr2-179397607-C-A.
Other names: c.98812G>T, p.Glu32938Ter (NM_001256850.1); c.76540G>T, p.Glu25514Ter (NM_003319.4); c.96031G>T, p.Glu32011Ter (NM_133378.4); c.76915G>T, p.Glu25639Ter (NM_133432.3); c.77116G>T, p.Glu25706Ter (NM_133437.4); short protein forms E25514*, E25639*, E25706*, E32011*, E32938*, E34579*.
Identifiers: ClinVar variation 3340923 (VCV003340923.1).